The following is an entry in ClinVar:

NM_177438.3(DICER1):c.2435A>T (p.Gln812Leu)

Gene: DICER1 (dicer 1, ribonuclease III; minus strand). Cytogenetic location: 14q32.13.
Variant type: single nucleotide variant.
Coding change: c.2435A>T on transcript NM_177438.3 (MANE Select); coding-DNA position 2435, A replaced by T.
Protein change: p.Gln812Leu; replaces glutamine 812 with leucine.
Molecular consequence: missense variant. On other transcripts: non-coding transcript variant (6).
Genome position (GRCh38, 1-based): chr14:95,108,325, T>A on the plus strand (A>T on the coding strand, the complement: DICER1 is on the minus strand). VCF-style: chr14-95108325-T-A. GRCh37 (hg19) VCF-style: chr14-95574662-T-A.
Other names: c.2435A>T, p.Gln812Leu (NM_001195573.1, NM_001271282.3, NM_001291628.2 and 12 more transcripts); c.2153A>T, p.Gln718Leu (NM_001395686.1); c.2030A>T, p.Gln677Leu (NM_001395687.1, NM_001395688.1, NM_001395689.1 and 2 more transcripts); c.1868A>T, p.Gln623Leu (NM_001395691.1); c.752A>T, p.Gln251Leu (NM_001395697.1); short protein forms Q251L, Q812L, Q623L, Q718L, Q677L.
Identifiers: ClinVar variation 3501886 (VCV003501886.1).

ClinVar aggregate classification (germline): Uncertain significance (1 of 4 stars; one submission).

Conditions:
Hereditary cancer-predisposing syndrome. Also called: Tumor predisposition; Neoplastic Syndromes, Hereditary; Hereditary Cancer Syndrome; Hereditary neoplastic syndrome. Identifiers: Orphanet 140162, MedGen C0027672, MeSH D009386, MONDO:0015356.

Submission:

Ambry Genetics
Classification: Uncertain significance for Hereditary cancer-predisposing syndrome. Last evaluated: 2024-08-20. Review status: criteria provided, single submitter. Criteria: Ambry Variant Classification Scheme 2023. Collection method: clinical testing. Allele origin: germline.
Comment: The p.Q812L variant (also known as c.2435A>T), located in coding exon 14 of the DICER1 gene, results from an A to T substitution at nucleotide position 2435. The glutamine at codon 812 is replaced by leucine, an amino acid with dissimilar properties. This amino acid position is conserved. In addition, the in silico prediction for this alteration is inconclusive. Based on the available evidence, the clinical significance of this variant remains unclear.